The following is an entry in ClinVar:

NM_000465.4(BARD1):c.1556C>A (p.Ser519Tyr)

Gene: BARD1 (BRCA1 associated RING domain 1; minus strand). Cytogenetic location: 2q35.
Variant type: single nucleotide variant.
Coding change: c.1556C>A on transcript NM_000465.4 (MANE Select); coding-DNA position 1556, C replaced by A.
Protein change: p.Ser519Tyr; replaces serine 519 with tyrosine.
Molecular consequence: missense variant. On other transcripts: non-coding transcript variant (3), intron variant (3).
Genome position (GRCh38, 1-based): chr2:214,767,494, G>T on the plus strand (C>A on the coding strand, the complement: BARD1 is on the minus strand). VCF-style: chr2-214767494-G-T. GRCh37 (hg19) VCF-style: chr2-215632218-G-T.
Other names: c.1499C>A, p.Ser500Tyr (NM_001282543.2); c.159-14939C>A (NM_001282548.2); c.216-14939C>A (NM_001282545.2); c.364+24803C>A (NM_001282549.2); short protein forms S519Y, S500Y.
Identifiers: ClinVar variation 481407 (VCV000481407.15), dbSNP rs780106810, ClinGen allele CA2090240.

ClinVar aggregate classification (germline): Uncertain significance. Review status: criteria provided, multiple submitters, no conflicts (2 of 4 stars). 2 submissions from 2 submitters: Uncertain significance (2). Last evaluated 2026-01-05.

Conditions:
Hereditary cancer-predisposing syndrome. Also called: Hereditary Cancer Syndrome; Neoplastic Syndromes, Hereditary; Tumor predisposition; Hereditary neoplastic syndrome. Identifiers: Orphanet 140162, MedGen C0027672, MeSH D009386, MONDO:0015356.
Familial cancer of breast. Also called: BREAST CANCER, FAMILIAL; Hereditary breast cancer; hereditary breast carcinoma. Identifiers: Orphanet 227535, MedGen C0346153, MONDO:0016419, OMIM 114480. Disease mechanism: loss of function.

Allele frequency attached by ClinVar (database versions not stated): gnomAD exomes below 0.00001; ExAC 0.00001.

Submissions (2):

Labcorp Genetics (formerly Invitae), Labcorp
Classification: Uncertain significance for Familial cancer of breast. Last evaluated: 2026-01-05. Review status: criteria provided, single submitter. Criteria: Invitae Variant Classification Sherloc (09022015). Collection method: clinical testing. Allele origin: germline.
Comment: This sequence change replaces serine, which is neutral and polar, with tyrosine, which is neutral and polar, at codon 519 of the BARD1 protein (p.Ser519Tyr). This variant is present in population databases (rs780106810, gnomAD 0.006%). This variant has not been reported in the literature in individuals affected with BARD1-related conditions. ClinVar contains an entry for this variant (Variation ID: 481407). An algorithm developed to predict the effect of missense changes on protein structure and function (PolyPhen-2) suggests that this variant is likely to be disruptive. In summary, the available evidence is currently insufficient to determine the role of this variant in disease. Therefore, it has been classified as a Variant of Uncertain Significance.

Ambry Genetics
Classification: Uncertain significance for Hereditary cancer-predisposing syndrome. Last evaluated: 2023-07-11. Review status: criteria provided, single submitter. Criteria: Ambry Variant Classification Scheme 2023. Collection method: clinical testing. Allele origin: germline.
Comment: The p.S519Y variant (also known as c.1556C>A), located in coding exon 6 of the BARD1 gene, results from a C to A substitution at nucleotide position 1556. The serine at codon 519 is replaced by tyrosine, an amino acid with dissimilar properties. This amino acid position is highly conserved in available vertebrate species. In addition, this alteration is predicted to be deleterious by in silico analysis. Since supporting evidence is limited at this time, the clinical significance of this alteration remains unclear.